The following is an entry in ClinVar:

NM_004984.4(KIF5A):c.551T>C (p.Ile184Thr)

Gene: KIF5A (kinesin family member 5A; plus strand). Cytogenetic location: 12q13.3.
Variant type: single nucleotide variant.
Coding change: c.551T>C on transcript NM_004984.4 (MANE Select); coding-DNA position 551, T replaced by C.
Protein change: p.Ile184Thr; replaces isoleucine 184 with threonine.
Molecular consequence: missense variant.
Genome position (GRCh38, 1-based): chr12:57,567,175, T>C. VCF-style: chr12-57567175-T-C. GRCh37 (hg19) VCF-style: chr12-57960958-T-C.
Other names: c.284T>C, p.Ile95Thr (NM_001354705.2); short protein forms I184T, I95T.
Identifiers: ClinVar variation 939302 (VCV000939302.11), dbSNP rs1882089233, ClinGen allele CA385497821.

ClinVar aggregate classification (germline): Uncertain significance. Review status: criteria provided, multiple submitters, no conflicts (2 of 4 stars). 2 submissions from 2 submitters: Uncertain significance (2). Last evaluated 2025-08-10.

Conditions:
Spastic paraplegia. Identifiers: MedGen C0037772, HP:0001258.

Submissions (2):

Labcorp Genetics (formerly Invitae), Labcorp
Classification: Uncertain significance for Spastic paraplegia. Last evaluated: 2025-08-10. Review status: criteria provided, single submitter. Criteria: Invitae Variant Classification Sherloc (09022015). Collection method: clinical testing. Allele origin: germline.
Comment: This sequence change replaces isoleucine, which is neutral and non-polar, with threonine, which is neutral and polar, at codon 184 of the KIF5A protein (p.Ile184Thr). This variant is not present in population databases (gnomAD no frequency). This variant has not been reported in the literature in individuals affected with KIF5A-related conditions. ClinVar contains an entry for this variant (Variation ID: 939302). Invitae Evidence Modeling of protein sequence and biophysical properties (such as structural, functional, and spatial information, amino acid conservation, physicochemical variation, residue mobility, and thermodynamic stability) has been performed for this missense variant. However, the output from this modeling did not meet the statistical confidence thresholds required to predict the impact of this variant on KIF5A protein function. In summary, the available evidence is currently insufficient to determine the role of this variant in disease. Therefore, it has been classified as a Variant of Uncertain Significance.

GeneDx
Classification: Uncertain significance. Last evaluated: 2025-07-25. Review status: criteria provided, single submitter. Criteria: GeneDx Variant Classification Process June 2021. Collection method: clinical testing. Allele origin: germline. Affected: yes.
Comment: Not observed at significant frequency in large population cohorts (gnomAD); In silico analysis supports that this missense variant has a deleterious effect on protein structure/function; Has not been previously published as pathogenic or benign to our knowledge